The following is an entry in ClinVar:

ClinVar aggregate classification (germline): Uncertain significance (1 of 4 stars; one submission).

Conditions:
Inborn genetic diseases. Identifiers: MedGen C0950123, MeSH D030342.

Submission:

Ambry Genetics
Classification: Uncertain significance for Inborn genetic diseases. Last evaluated: 2026-08-18. Review status: criteria provided, single submitter. Criteria: Ambry Variant Classification Scheme 2023. Collection method: clinical testing. Allele origin: germline.
Comment: The p.P342A variant (also known as c.1024C>G), located in coding exon 8 of the BUB1B gene, results from a C to G substitution at nucleotide position 1024. The proline at codon 342 is replaced by alanine, an amino acid with highly similar properties. This amino acid position is conserved. In addition, this alteration is predicted to be tolerated by in silico analysis. Based on the available evidence, the clinical significance of this variant remains unclear.

NM_001211.6(BUB1B):c.1024C>G (p.Pro342Ala)

Gene: BUB1B (BUB1 mitotic checkpoint serine/threonine kinase B; plus strand). Cytogenetic location: 15q15.1.
Variant type: single nucleotide variant.
Coding change: c.1024C>G on transcript NM_001211.6 (MANE Select); coding-DNA position 1024, C replaced by G.
Protein change: p.Pro342Ala; replaces proline 342 with alanine.
Molecular consequence: missense variant.
Genome position (GRCh38, 1-based): chr15:40,185,608, C>G. VCF-style: chr15-40185608-C-G. GRCh37 (hg19) VCF-style: chr15-40477809-C-G.
Other names: short protein forms P342A.
Identifiers: ClinVar variation 5033539 (VCV005033539.1).